The following is an entry in ClinVar:

NM_022367.4(SEMA4A):c.821G>A (p.Gly274Asp)

Gene: SEMA4A (semaphorin 4A; plus strand). Cytogenetic location: 1q22.
Variant type: single nucleotide variant.
Coding change: c.821G>A on transcript NM_022367.4 (MANE Select); coding-DNA position 821, G replaced by A.
Protein change: p.Gly274Asp; replaces glycine 274 with aspartic acid.
Molecular consequence: missense variant.
Genome position (GRCh38, 1-based): chr1:156,161,356, G>A. VCF-style: chr1-156161356-G-A. GRCh37 (hg19) VCF-style: chr1-156131147-G-A.
Other names: c.821G>A, p.Gly274Asp (NM_001193300.2, NM_001193301.2, NM_001370567.1); c.425G>A, p.Gly142Asp (NM_001193302.2); c.524G>A, p.Gly175Asp (NM_001370568.1); c.314G>A, p.Gly105Asp (NM_001370569.1, NM_001370571.1); short protein forms G105D, G142D, G175D, G274D.
Identifiers: ClinVar variation 1384134 (VCV001384134.7), dbSNP rs753275554, ClinGen allele CA1155199.
Genomic context (GRCh38, chr1:156,161,356, plus strand): 5'-TGGGGGGTCGGGGCGCCCGGGGCGCCCCCTGACTCCCCCTGTGCCCCCAGAATGACGTGG[G>A]CGGCGAAAAGCTGCTGCAGAAGAAGTGGACCACCTTCCTGAAGGCCCAGCTGCTCTGCAC-3'
Protein context (NP_071762.2, residues 264-284): RVARVCKNDV[Gly274Asp]GEKLLQKKWT

ClinVar aggregate classification (germline): Uncertain significance. Review status: criteria provided, multiple submitters, no conflicts (2 of 4 stars). 2 submissions from 2 submitters: Uncertain significance (2). Last evaluated 2025-07-13.

Allele frequency attached by ClinVar (database versions not stated): gnomAD exomes below 0.00001 and 0.00001; ExAC 0.00001.

Submissions (2):

Labcorp Genetics (formerly Invitae), Labcorp
Classification: Uncertain significance. Last evaluated: 2025-07-13. Review status: criteria provided, single submitter. Criteria: Invitae Variant Classification Sherloc (09022015). Collection method: clinical testing. Allele origin: germline.
Comment: This sequence change replaces glycine, which is neutral and non-polar, with aspartic acid, which is acidic and polar, at codon 274 of the SEMA4A protein (p.Gly274Asp). This variant is present in population databases (rs753275554, gnomAD 0.006%). This variant has not been reported in the literature in individuals affected with SEMA4A-related conditions. ClinVar contains an entry for this variant (Variation ID: 1384134). Invitae Evidence Modeling of protein sequence and biophysical properties (such as structural, functional, and spatial information, amino acid conservation, physicochemical variation, residue mobility, and thermodynamic stability) indicates that this missense variant is expected to disrupt SEMA4A protein function with a positive predictive value of 80%. In summary, the available evidence is currently insufficient to determine the role of this variant in disease. Therefore, it has been classified as a Variant of Uncertain Significance.

Blueprint Genetics
Classification: Uncertain significance. Last evaluated: 2022-06-07. Review status: criteria provided, single submitter. Criteria: ACMG Guidelines, 2015. Collection method: clinical testing. Allele origin: germline.